The following is an entry in ClinVar:

ClinVar aggregate classification (germline): Uncertain significance (1 of 4 stars; one submission).

Conditions:
Ehlers-Danlos syndrome, classic type, 1 (EDSCL1). Also called: EHLERS-DANLOS SYNDROME, GRAVIS TYPE; EHLERS-DANLOS SYNDROME, SEVERE CLASSIC TYPE; Ehlers-Danlos syndrome, type 1; Ehlers-Danlos Syndrome, Classic Type, COL5A1-Related; EDS I. Identifiers: MedGen C0268335, MONDO:0019567, OMIM 130000.

Submission:

Labcorp Genetics (formerly Invitae), Labcorp
Classification: Uncertain significance for Ehlers-Danlos syndrome, classic type, 1. Last evaluated: 2024-04-26. Review status: criteria provided, single submitter. Criteria: Invitae Variant Classification Sherloc (09022015). Collection method: clinical testing. Allele origin: germline.
Comment: This sequence change replaces valine, which is neutral and non-polar, with alanine, which is neutral and non-polar, at codon 95 of the COL5A2 protein (p.Val95Ala). This variant is not present in population databases (gnomAD no frequency). This variant has not been reported in the literature in individuals affected with COL5A2-related conditions. Algorithms developed to predict the effect of missense changes on protein structure and function output the following: SIFT: "Not Available"; PolyPhen-2: "Possibly Damaging"; Align-GVGD: "Not Available". The alanine amino acid residue is found in multiple mammalian species, which suggests that this missense change does not adversely affect protein function. In summary, the available evidence is currently insufficient to determine the role of this variant in disease. Therefore, it has been classified as a Variant of Uncertain Significance.

NM_000393.5(COL5A2):c.284T>C (p.Val95Ala)

Gene: COL5A2 (collagen type V alpha 2 chain; minus strand). Cytogenetic location: 2q32.2.
Variant type: single nucleotide variant.
Coding change: c.284T>C on transcript NM_000393.5 (MANE Select); coding-DNA position 284, T replaced by C.
Protein change: p.Val95Ala; replaces valine 95 with alanine.
Molecular consequence: missense variant.
Genome position (GRCh38, 1-based): chr2:189,110,263, A>G on the plus strand (T>C on the coding strand, the complement: COL5A2 is on the minus strand). VCF-style: chr2-189110263-A-G. GRCh37 (hg19) VCF-style: chr2-189974989-A-G.
Other names: short protein forms V95A.
Identifiers: ClinVar variation 3651278 (VCV003651278.2).